The following is an entry in ClinVar:

NM_032816.5(CEP89):c.1585G>T (p.Glu529Ter)

Gene: CEP89 (centrosomal protein 89; minus strand). Cytogenetic location: 19q13.11.
Variant type: single nucleotide variant.
Coding change: c.1585G>T on transcript NM_032816.5 (MANE Select); coding-DNA position 1585, G replaced by T.
Protein change: p.Glu529Ter; replaces glutamic acid 529 with a stop codon.
Molecular consequence: nonsense.
Genome position (GRCh38, 1-based): chr19:32,901,393, C>A on the plus strand (G>T on the coding strand, the complement: CEP89 is on the minus strand). VCF-style: chr19-32901393-C-A. GRCh37 (hg19) VCF-style: chr19-33392299-C-A.
Other names: short protein forms E529*.
Identifiers: ClinVar variation 2909726 (VCV002909726.3), dbSNP rs375529659, ClinGen allele CA9359230.

ClinVar aggregate classification (germline): Uncertain significance (1 of 4 stars; one submission).

Allele frequency attached by ClinVar (database versions not stated): gnomAD 0.00001; gnomAD exomes below 0.00001; TOPMed below 0.00001; ExAC 0.00001; ESP Exome Variant Server 0.00015.
gnomAD v4.1: 4 of 1,612,222 alleles (0.00025%); highest among the groups gnomAD compares: Non-Finnish European, 0.00025%; no homozygotes.

Submission:

Labcorp Genetics (formerly Invitae), Labcorp
Classification: Uncertain significance. Last evaluated: 2025-03-07. Review status: criteria provided, single submitter. Criteria: Invitae Variant Classification Sherloc (09022015). Collection method: clinical testing. Allele origin: germline.
Comment: This sequence change creates a premature translational stop signal (p.Glu529*) in the CEP89 gene. It is expected to result in an absent or disrupted protein product. However, the current clinical and genetic evidence is not sufficient to establish whether loss-of-function variants in CEP89 cause disease. This variant is present in population databases (rs375529659, gnomAD 0.0009%). This variant has not been reported in the literature in individuals affected with CEP89-related conditions. ClinVar contains an entry for this variant (Variation ID: 2909726). In summary, the available evidence is currently insufficient to determine the role of this variant in disease. Therefore, it has been classified as a Variant of Uncertain Significance.